The following is an entry in ClinVar:

ClinVar aggregate classification (germline): Uncertain significance. Review status: criteria provided, multiple submitters, no conflicts (2 of 4 stars). 2 submissions from 2 submitters: Uncertain significance (2). Last evaluated 2026-01-20.

Conditions:
TG-related disorder. Also called: TG-related condition; TG-related disorders.

gnomAD v4.1: 50 of 1,614,230 alleles (0.0031%); highest among the groups gnomAD compares: East Asian, 0.042%; no homozygotes.

Submissions (2):

GeneDx
Classification: Uncertain significance. Last evaluated: 2026-01-20. Review status: criteria provided, single submitter. Criteria: GeneDx Variant Classification Process June 2021. Collection method: clinical testing. Allele origin: germline.
Comment: In silico analysis suggests that this missense variant does not alter protein structure/function; Has not been previously published as pathogenic or benign to our knowledge

PreventionGenetics, part of Exact Sciences
Classification: Uncertain significance for TG-related condition. Last evaluated: 2025-05-07. Review status: criteria provided, single submitter. Criteria: ACMG Guidelines, 2015. Collection method: clinical testing. Allele origin: germline.
Comment: The TG c.7822G>A variant is predicted to result in the amino acid substitution p.Val2608Ile. To our knowledge, this variant has not been reported in the literature. This variant is reported in 0.14% of alleles in individuals of East Asian descent in gnomAD. Although we suspect that this variant may be benign, at this time, the clinical significance of this variant is uncertain due to the absence of conclusive functional and genetic evidence.

NM_003235.5(TG):c.7822G>A (p.Val2608Ile)

Gene: TG (thyroglobulin; plus strand). Cytogenetic location: 8q24.22.
Variant type: single nucleotide variant.
Coding change: c.7822G>A on transcript NM_003235.5 (MANE Select); coding-DNA position 7822, G replaced by A.
Protein change: p.Val2608Ile; replaces valine 2608 with isoleucine.
Molecular consequence: missense variant.
Genome position (GRCh38, 1-based): chr8:133,116,676, G>A. VCF-style: chr8-133116676-G-A. GRCh37 (hg19) VCF-style: chr8-134128920-G-A.
Other names: short protein forms V2608I.
Identifiers: ClinVar variation 3369845 (VCV003369845.3).